The following is an entry in ClinVar:

NM_001205293.3(CACNA1E):c.4372C>T (p.Arg1458Cys)

Gene: CACNA1E (calcium voltage-gated channel subunit alpha1 E; plus strand). Cytogenetic location: 1q25.3.
Variant type: single nucleotide variant.
Coding change: c.4372C>T on transcript NM_001205293.3 (MANE Select); coding-DNA position 4372, C replaced by T.
Protein change: p.Arg1458Cys; replaces arginine 1458 with cysteine.
Molecular consequence: missense variant.
Genome position (GRCh38, 1-based): chr1:181,757,989, C>T. VCF-style: chr1-181757989-C-T. GRCh37 (hg19) VCF-style: chr1-181727125-C-T.
Other names: c.4372C>T, p.Arg1458Cys (NM_000721.4); c.4315C>T, p.Arg1439Cys (NM_001205294.2); short protein forms R1439C, R1458C.
Identifiers: ClinVar variation 1978003 (VCV001978003.6), dbSNP rs774399787, ClinGen allele CA1275831.

ClinVar aggregate classification (germline): Uncertain significance. Review status: criteria provided, multiple submitters, no conflicts (2 of 4 stars). 2 submissions from 2 submitters: Uncertain significance (2). Last evaluated 2025-02-17.

Allele frequency attached by ClinVar (database versions not stated): gnomAD exomes below 0.00001; ExAC 0.00001; TOPMed 0.00002.
gnomAD v4.1: 3 of 1,613,894 alleles (0.00019%); highest among the groups gnomAD compares: Admixed American, 0.0017%; no homozygotes.

Submissions (2):

Labcorp Genetics (formerly Invitae), Labcorp
Classification: Uncertain significance. Last evaluated: 2025-02-17. Review status: criteria provided, single submitter. Criteria: Invitae Variant Classification Sherloc (09022015). Collection method: clinical testing. Allele origin: germline.
Comment: This sequence change replaces arginine, which is basic and polar, with cysteine, which is neutral and slightly polar, at codon 1458 of the CACNA1E protein (p.Arg1458Cys). This variant is present in population databases (rs774399787, gnomAD 0.003%). This variant has not been reported in the literature in individuals affected with CACNA1E-related conditions. ClinVar contains an entry for this variant (Variation ID: 1978003). Invitae Evidence Modeling of protein sequence and biophysical properties (such as structural, functional, and spatial information, amino acid conservation, physicochemical variation, residue mobility, and thermodynamic stability) has been performed for this missense variant. However, the output from this modeling did not meet the statistical confidence thresholds required to predict the impact of this variant on CACNA1E protein function. In summary, the available evidence is currently insufficient to determine the role of this variant in disease. Therefore, it has been classified as a Variant of Uncertain Significance.

Blueprint Genetics
Classification: Uncertain significance. Last evaluated: 2021-09-01. Review status: criteria provided, single submitter. Criteria: ACMG Guidelines, 2015. Collection method: clinical testing. Allele origin: germline.